The following is an entry in ClinVar:

ClinVar aggregate classification (germline): Conflicting classifications of pathogenicity. Review status: criteria provided, conflicting classifications (1 of 4 stars). 5 submissions from 5 submitters: Uncertain significance (2); Likely benign (2). 1 of the submissions does not count toward it. Last evaluated 2025-05-16.

Conditions:
Cardiovascular phenotype. Identifiers: MedGen CN230736.
Duchenne muscular dystrophy (DMD). Also called: MUSCULAR DYSTROPHY, PSEUDOHYPERTROPHIC PROGRESSIVE, DUCHENNE TYPE; Duchenne Muscular Dystrophy (DMD). Identifiers: Orphanet 98896, MedGen C0013264, MONDO:0010679, OMIM 310200.
Becker muscular dystrophy (BMD). Also called: Becker Muscular Dystrophy (BMD); MUSCULAR DYSTROPHY, PSEUDOHYPERTROPHIC PROGRESSIVE, BECKER TYPE. Identifiers: Orphanet 98895, MedGen C0917713, MONDO:0010311, OMIM 300376.
Dystrophin deficiency.
Cardiomyopathy (CMYO). Also called: Cardiomyopathies. Identifiers: Orphanet 167848, MedGen C0878544, MONDO:0004994, HP:0001638. Inheritance: Various modes of inheritance.

Allele frequency attached by ClinVar (database versions not stated): TOPMed 0.00001; gnomAD 0.00005; 1000 Genomes Project 30x 0.00021; 1000 Genomes Project 0.00026.
gnomAD v4.1: 10 of 1,208,928 alleles (0.00083%); highest among the groups gnomAD compares: African/African-American, 0.0088%; no homozygotes.

Submissions (5):

Ambry Genetics
Classification: Likely benign for Cardiovascular phenotype. Last evaluated: 2025-05-16. Review status: criteria provided, single submitter. Criteria: Ambry Variant Classification Scheme 2023. Collection method: clinical testing. Allele origin: germline.

Labcorp Genetics (formerly Invitae), Labcorp
Classification: Uncertain significance for Duchenne muscular dystrophy. Last evaluated: 2025-01-28. Review status: criteria provided, single submitter. Criteria: Invitae Variant Classification Sherloc (09022015). Collection method: clinical testing. Allele origin: germline.
Comment: This sequence change replaces arginine, which is basic and polar, with tryptophan, which is neutral and slightly polar, at codon 1016 of the DMD protein (p.Arg1016Trp). This variant is present in population databases (rs199808421, gnomAD 0.007%). This variant has not been reported in the literature in individuals affected with DMD-related conditions. ClinVar contains an entry for this variant (Variation ID: 386096). Invitae Evidence Modeling of protein sequence and biophysical properties (such as structural, functional, and spatial information, amino acid conservation, physicochemical variation, residue mobility, and thermodynamic stability) indicates that this missense variant is not expected to disrupt DMD protein function with a negative predictive value of 95%. In summary, the available evidence is currently insufficient to determine the role of this variant in disease. Therefore, it has been classified as a Variant of Uncertain Significance.

CeGaT Center for Human Genetics Tuebingen
Classification: Uncertain significance. Last evaluated: 2022-03-01. Review status: criteria provided, single submitter. Criteria: CeGaT Center For Human Genetics Tuebingen Variant Classification Criteria Version 2. Collection method: clinical testing. Allele origin: germline. Affected: yes. Observed: 1 variant allele.
Comment: DMD: PM2, BP1, BP4

GeneDx
Classification: Likely benign. Last evaluated: 2016-06-09. Review status: criteria provided, single submitter. Criteria: GeneDx Variant Classification (06012015). Collection method: clinical testing. Allele origin: germline. Affected: yes.
Comment: This variant is considered likely benign or benign based on one or more of the following criteria: it is a conservative change, it occurs at a poorly conserved position in the protein, it is predicted to be benign by multiple in silico algorithms, and/or has population frequency not consistent with disease.

Natera, Inc.
Classification: Likely benign for Becker muscular dystrophy; Cardiomyopathy; Duchenne muscular dystrophy; Dystrophin deficiency. Last evaluated: 2018-07-03. Review status: no assertion criteria provided. Collection method: clinical testing. Allele origin: germline. Not counted in ClinVar's aggregate classification.

Literature cited by the submitters: PubMed 30615648 (cited by Ambry Genetics); PubMed 31983221 (cited by Ambry Genetics).

NM_004006.3(DMD):c.3046C>T (p.Arg1016Trp)

Gene: DMD (dystrophin; minus strand). Cytogenetic location: Xp21.1.
Variant type: single nucleotide variant.
Coding change: c.3046C>T on transcript NM_004006.3 (MANE Select); coding-DNA position 3046, C replaced by T.
Protein change: p.Arg1016Trp; replaces arginine 1016 with tryptophan.
Molecular consequence: missense variant.
Genome position (GRCh38, 1-based): chrX:32,468,614, G>A on the plus strand (C>T on the coding strand, the complement: DMD is on the minus strand). VCF-style: chrX-32468614-G-A. GRCh37 (hg19) VCF-style: chrX-32486731-G-A.
Other names: c.3022C>T, p.Arg1008Trp (NM_000109.4); c.3034C>T, p.Arg1012Trp (NM_004009.3); c.2677C>T, p.Arg893Trp (NM_004010.3); short protein forms R1016W, R893W, R1008W, R1012W.
Identifiers: ClinVar variation 386096 (VCV000386096.34), dbSNP rs199808421, ClinGen allele CA10379368.